The following is an entry in ClinVar:

ClinVar aggregate classification (germline): Uncertain significance (1 of 4 stars; one submission).

Submission:

Labcorp Genetics (formerly Invitae), Labcorp
Classification: Uncertain significance. Last evaluated: 2024-08-13. Review status: criteria provided, single submitter. Criteria: Invitae Variant Classification Sherloc (09022015). Collection method: clinical testing. Allele origin: germline.
Comment: This sequence change replaces arginine, which is basic and polar, with histidine, which is basic and polar, at codon 2632 of the KMT2B protein (p.Arg2632His). This variant is not present in population databases (gnomAD no frequency). This variant has not been reported in the literature in individuals affected with KMT2B-related conditions. Advanced modeling of protein sequence and biophysical properties (such as structural, functional, and spatial information, amino acid conservation, physicochemical variation, residue mobility, and thermodynamic stability) has been performed at Invitae for this missense variant, however the output from this modeling did not meet the statistical confidence thresholds required to predict the impact of this variant on KMT2B protein function. In summary, the available evidence is currently insufficient to determine the role of this variant in disease. Therefore, it has been classified as a Variant of Uncertain Significance.

NM_014727.3(KMT2B):c.7895G>A (p.Arg2632His)

Gene: KMT2B (lysine methyltransferase 2B; plus strand). Cytogenetic location: 19q13.12.
Variant type: single nucleotide variant.
Coding change: c.7895G>A on transcript NM_014727.3 (MANE Select); coding-DNA position 7895, G replaced by A.
Protein change: p.Arg2632His; replaces arginine 2632 with histidine.
Molecular consequence: missense variant.
Genome position (GRCh38, 1-based): chr19:35,738,304, G>A. VCF-style: chr19-35738304-G-A. GRCh37 (hg19) VCF-style: chr19-36229205-G-A.
Other names: short protein forms R2632H.
Identifiers: ClinVar variation 3662233 (VCV003662233.2).